The following is an entry in ClinVar:

NM_001844.5(COL2A1):c.2453G>A (p.Arg818His)

Gene: COL2A1 (collagen type II alpha 1 chain; minus strand). Cytogenetic location: 12q13.11.
Variant type: single nucleotide variant.
Coding change: c.2453G>A on transcript NM_001844.5 (MANE Select); coding-DNA position 2453, G replaced by A.
Protein change: p.Arg818His; replaces arginine 818 with histidine.
Molecular consequence: missense variant.
Genome position (GRCh38, 1-based): chr12:47,981,353, C>T on the plus strand (G>A on the coding strand, the complement: COL2A1 is on the minus strand). VCF-style: chr12-47981353-C-T. GRCh37 (hg19) VCF-style: chr12-48375136-C-T.
Other names: c.2246G>A, p.Arg749His (NM_033150.3); short protein forms R749H, R818H.
Identifiers: ClinVar variation 2986820 (VCV002986820.3), dbSNP rs376834551, ClinGen allele CA6535097.
Genomic context (GRCh38, chr12:47,981,353, plus strand): 5'-GGTTCCCAGGGGCCTCGGGCAGAGCCAGGCTCAGAGGGGCAGACACTCACCGGAGCGCCA[C>T]GAGCACCAGCACTTCCTGCAGGACCAGGAGGTCCAACTTCTCCCTGAGGGTGGGGAAGGG-3'
Protein context (NP_001835.3, residues 808-828): PPGPAGSAGA[Arg818His]GAPGERGETG

ClinVar aggregate classification (germline): Uncertain significance (1 of 4 stars; one submission).

Allele frequency attached by ClinVar (database versions not stated): gnomAD 0.00001; ESP Exome Variant Server 0.00008.
gnomAD v4.1: 18 of 1,612,868 alleles (0.0011%); highest among the groups gnomAD compares: Non-Finnish European, 0.0015%; no homozygotes.

Submission:

Labcorp Genetics (formerly Invitae), Labcorp
Classification: Uncertain significance. Last evaluated: 2023-12-14. Review status: criteria provided, single submitter. Criteria: Invitae Variant Classification Sherloc (09022015). Collection method: clinical testing. Allele origin: germline.
Comment: This sequence change replaces arginine, which is basic and polar, with histidine, which is basic and polar, at codon 818 of the COL2A1 protein (p.Arg818His). This variant is present in population databases (rs376834551, gnomAD 0.004%). This variant has not been reported in the literature in individuals affected with COL2A1-related conditions. Advanced modeling of protein sequence and biophysical properties (such as structural, functional, and spatial information, amino acid conservation, physicochemical variation, residue mobility, and thermodynamic stability) has been performed at Invitae for this missense variant, however the output from this modeling did not meet the statistical confidence thresholds required to predict the impact of this variant on COL2A1 protein function. In summary, the available evidence is currently insufficient to determine the role of this variant in disease. Therefore, it has been classified as a Variant of Uncertain Significance.